The following is an entry in ClinVar:

ClinVar aggregate classification (germline): Uncertain significance (1 of 4 stars; one submission).

Conditions:
Monogenic diabetes. Identifiers: Orphanet 183625, MedGen C3888631, MONDO:0015967.

Allele frequency attached by ClinVar (database versions not stated): gnomAD exomes below 0.00001; ExAC 0.00001.
gnomAD v4.1: 4 of 1,606,168 alleles (0.00025%); highest among the groups gnomAD compares: Non-Finnish European, 0.00034%; no homozygotes.

Submission:

Personalized Diabetes Medicine Program, University of Maryland School of Medicine
Classification: Uncertain significance for Monogenic diabetes. Last evaluated: 2018-08-14. Review status: criteria provided, single submitter. Criteria: ACMG Guidelines, 2015. Collection method: research. Allele origin: unknown. Observed: 1 variant allele, 1 heterozygote.
Comment: ACMG criteria: BP4 (REVEL 0.120 + 10 predictors),PM2 (MAF 0.0004 in gnomAD/1 copy)= VUS

NM_001042413.2(GLIS3):c.1464C>G (p.Asp488Glu)

Gene: GLIS3 (GLIS family zinc finger 3; minus strand). Cytogenetic location: 9p24.2.
Variant type: single nucleotide variant.
Coding change: c.1464C>G on transcript NM_001042413.2 (MANE Select); coding-DNA position 1464, C replaced by G.
Protein change: p.Asp488Glu; replaces aspartic acid 488 with glutamic acid.
Molecular consequence: missense variant.
Genome position (GRCh38, 1-based): chr9:4,118,014, G>C on the plus strand (C>G on the coding strand, the complement: GLIS3 is on the minus strand). VCF-style: chr9-4118014-G-C. GRCh37 (hg19) VCF-style: chr9-4118014-G-C.
Other names: c.999C>G, p.Asp333Glu (NM_152629.4); short protein forms D333E, D488E.
Identifiers: ClinVar variation 917454 (VCV000917454.2), dbSNP rs377094207, ClinGen allele CA4968187.